The following is an entry in ClinVar:

NM_017662.5(TRPM6):c.4480G>T (p.Ala1494Ser)

Gene: TRPM6 (transient receptor potential cation channel subfamily M member 6; minus strand). Cytogenetic location: 9q21.13.
Variant type: single nucleotide variant.
Coding change: c.4480G>T on transcript NM_017662.5 (MANE Select); coding-DNA position 4480, G replaced by T.
Protein change: p.Ala1494Ser; replaces alanine 1494 with serine.
Molecular consequence: missense variant.
Genome position (GRCh38, 1-based): chr9:74,762,191, C>A on the plus strand (G>T on the coding strand, the complement: TRPM6 is on the minus strand). VCF-style: chr9-74762191-C-A. GRCh37 (hg19) VCF-style: chr9-77377107-C-A.
Other names: c.4465G>T, p.Ala1489Ser (NM_001177310.2, NM_001177311.2); short protein forms A1494S, A1489S.
Identifiers: ClinVar variation 1360575 (VCV001360575.8), dbSNP rs2118839718, ClinGen allele CA373684573.

ClinVar aggregate classification (germline): Uncertain significance (1 of 4 stars; one submission).

Submission:

Labcorp Genetics (formerly Invitae), Labcorp
Classification: Uncertain significance. Last evaluated: 2026-01-19. Review status: criteria provided, single submitter. Criteria: Invitae Variant Classification Sherloc (09022015). Collection method: clinical testing. Allele origin: germline.
Comment: This sequence change replaces alanine, which is neutral and non-polar, with serine, which is neutral and polar, at codon 1494 of the TRPM6 protein (p.Ala1494Ser). This variant is not present in population databases (gnomAD no frequency). This variant has not been reported in the literature in individuals affected with TRPM6-related conditions. ClinVar contains an entry for this variant (Variation ID: 1360575). An algorithm developed to predict the effect of missense changes on protein structure and function outputs the following: PolyPhen-2: "Benign". The serine amino acid residue is found in multiple mammalian species, which suggests that this missense change does not adversely affect protein function. In summary, the available evidence is currently insufficient to determine the role of this variant in disease. Therefore, it has been classified as a Variant of Uncertain Significance.